The following is an entry in ClinVar:

NM_001042492.3(NF1):c.5951A>G (p.Asn1984Ser)

Gene: NF1 (neurofibromin 1; plus strand). Cytogenetic location: 17q11.2.
Variant type: single nucleotide variant.
Coding change: c.5951A>G on transcript NM_001042492.3 (MANE Select); coding-DNA position 5951, A replaced by G.
Protein change: p.Asn1984Ser; replaces asparagine 1984 with serine.
Molecular consequence: missense variant.
Genome position (GRCh38, 1-based): chr17:31,334,976, A>G. VCF-style: chr17-31334976-A-G. GRCh37 (hg19) VCF-style: chr17-29661994-A-G.
Other names: c.5888A>G, p.Asn1963Ser (NM_000267.4); short protein forms N1963S, N1984S.
Identifiers: ClinVar variation 404620 (VCV000404620.23), dbSNP rs764291252, ClinGen allele CA8487276.
Genomic context (GRCh38, chr17:31,334,976, plus strand): 5'-ATGATGCCAAACGACAAAGAGTTACTGCTATTCTTGACAAGCTGATAACAATGACCATCA[A>G]TGAAAAACAGATGTACCCATCTATTCAAGCAAAAATATGGGGAAGCCTTGGGCAGGTATT-3'
Protein context (NP_001035957.1, residues 1974-1994): ILDKLITMTI[Asn1984Ser]EKQMYPSIQA

ClinVar aggregate classification (germline): Conflicting classifications of pathogenicity. Review status: criteria provided, conflicting classifications (1 of 4 stars). 7 submissions from 7 submitters: Uncertain significance (4); Likely benign (2). 1 of the submissions does not count toward it. Last evaluated 2026-01-18.

Conditions:
Hereditary cancer-predisposing syndrome. Also called: Tumor predisposition; Neoplastic Syndromes, Hereditary; Hereditary Cancer Syndrome; Hereditary neoplastic syndrome. Identifiers: Orphanet 140162, MedGen C0027672, MeSH D009386, MONDO:0015356.
Cardiovascular phenotype. Identifiers: MedGen CN230736.
NF1-related disorder. Also called: NF1-related condition. Identifiers: MedGen CN379171.
Neurofibromatosis, type 1 (NF1). Also called: Neurofibromatosis, type I; NEUROFIBROMATOSIS, TYPE I, SOMATIC; Peripheral type neurofibromatosis; VON RECKLINGHAUSEN DISEASE. Identifiers: Orphanet 636, MedGen C0027831, MONDO:0018975, OMIM 162200. Disease mechanism: loss of function.

Allele frequency attached by ClinVar (database versions not stated): ExAC 0.00001; gnomAD 0.00001; TOPMed 0.00001; gnomAD exomes 0.00002.
gnomAD v4.1: 37 of 1,613,600 alleles (0.0023%); highest among the groups gnomAD compares: African/African-American, 0.004%; no homozygotes.

Submissions (7):

Labcorp Genetics (formerly Invitae), Labcorp
Classification: Likely benign for Neurofibromatosis, type 1. Last evaluated: 2026-01-18. Review status: criteria provided, single submitter. Criteria: Invitae Variant Classification Sherloc (09022015). Collection method: clinical testing. Allele origin: germline.

Ambry Genetics
Classification: Likely benign for Cardiovascular phenotype; Hereditary cancer-predisposing syndrome. Last evaluated: 2025-09-05. Review status: criteria provided, single submitter. Criteria: Ambry Variant Classification Scheme 2023. Collection method: clinical testing. Allele origin: germline.

GeneDx
Classification: Uncertain significance. Last evaluated: 2023-03-21. Review status: criteria provided, single submitter. Criteria: GeneDx Variant Classification Process June 2021. Collection method: clinical testing. Allele origin: germline. Affected: yes.
Comment: In silico analysis supports that this missense variant does not alter protein structure/function; Observed in individuals with breast cancer, but also in unaffected controls (Momozawa et al., 2018; Dorling et al., 2021); This variant is associated with the following publications: (PMID: 33471991, 29089047, 30287823)

Genome-Nilou Lab
Classification: Uncertain significance for Neurofibromatosis, type 1. Last evaluated: 2022-03-15. Review status: criteria provided, single submitter. Criteria: ACMG Guidelines, 2015. Collection method: clinical testing. Allele origin: germline. Affected: no.

Athena Diagnostics
Classification: Uncertain significance. Last evaluated: 2021-04-23. Review status: criteria provided, single submitter. Criteria: Athena Diagnostics criteria. Collection method: clinical testing. Allele origin: unknown.

Quest Diagnostics Nichols Institute San Juan Capistrano
Classification: Uncertain significance. Last evaluated: 2020-03-19. Review status: criteria provided, single submitter. Criteria: Quest Diagnostics criteria. Collection method: clinical testing. Allele origin: unknown.

PreventionGenetics, part of Exact Sciences
Classification: Uncertain significance for NF1-related condition. Last evaluated: 2023-12-05. Review status: no assertion criteria provided. Collection method: clinical testing. Allele origin: germline. Not counted in ClinVar's aggregate classification.
Comment: The NF1 c.5951A>G variant is predicted to result in the amino acid substitution p.Asn1984Ser. This variant has been reported in the literature as a variant of uncertain significance in patients with cancers (specifically breast and biliary tract cancers; Momozawa et al. 2018. PubMed ID: 30287823; Okawa et al. 2023. PubMed ID: 36243179; alternate nomenclature: NM_000267.3:c.5888A>G (p.Asn1963Ser)). This variant is reported in 0.0062% of alleles in individuals of African descent in gnomAD. In ClinVar this variant is classified as uncertain significance by multiple labs. At this time, the clinical significance of this variant is uncertain due to the absence of conclusive functional and genetic evidence.

Literature cited by the submitters: PubMed 30287823 (cited by Athena Diagnostics and Quest Diagnostics Nichols Institute San Juan Capistrano).